The following is an entry in ClinVar:

ClinVar aggregate classification (germline): Uncertain significance. Review status: criteria provided, multiple submitters, no conflicts (2 of 4 stars). 2 submissions from 2 submitters: Uncertain significance (2). Last evaluated 2025-08-24.

Conditions:
Familial cancer of breast. Also called: hereditary breast carcinoma; Hereditary breast cancer; BREAST CANCER, FAMILIAL. Identifiers: Orphanet 227535, MedGen C0346153, MONDO:0016419, OMIM 114480. Disease mechanism: loss of function.
Hereditary cancer-predisposing syndrome. Also called: Tumor predisposition; Hereditary neoplastic syndrome; Neoplastic Syndromes, Hereditary; Hereditary Cancer Syndrome. Identifiers: Orphanet 140162, MedGen C0027672, MeSH D009386, MONDO:0015356.

Allele frequency attached by ClinVar (database versions not stated): gnomAD exomes below 0.00001.
gnomAD v4.1: 4 of 1,547,248 alleles (0.00026%); highest among the groups gnomAD compares: South Asian, 0.0033%; no homozygotes.

Submissions (2):

Labcorp Genetics (formerly Invitae), Labcorp
Classification: Uncertain significance for Familial cancer of breast. Last evaluated: 2025-08-24. Review status: criteria provided, single submitter. Criteria: Invitae Variant Classification Sherloc (09022015). Collection method: clinical testing. Allele origin: germline.
Comment: This sequence change falls in intron 13 of the CHEK2 gene. It does not directly change the encoded amino acid sequence of the CHEK2 protein. It affects a nucleotide within the consensus splice site. This variant is present in population databases (no rsID available, gnomAD 0.003%). This variant has not been reported in the literature in individuals affected with CHEK2-related conditions. ClinVar contains an entry for this variant (Variation ID: 819280). Variants that disrupt the consensus splice site are a relatively common cause of aberrant splicing (PMID: 17576681, 9536098). Algorithms developed to predict the effect of sequence changes on RNA splicing suggest that this variant may disrupt the consensus splice site. In summary, the available evidence is currently insufficient to determine the role of this variant in disease. Therefore, it has been classified as a Variant of Uncertain Significance.

Ambry Genetics
Classification: Uncertain significance for Hereditary cancer-predisposing syndrome. Last evaluated: 2019-04-30. Review status: criteria provided, single submitter. Criteria: Ambry Variant Classification Scheme 2023. Collection method: clinical testing. Allele origin: germline.
Comment: The c.1462-3C>G intronic variant results from a C to G substitution 3 nucleotides upstream from coding exon 13 in the CHEK2 gene. This nucleotide position is well conserved in available vertebrate species. In silico splice site analysis predicts that this alteration will weaken the native splice acceptor site and will result in the creation or strengthening of a novel splice acceptor site. RNA studies have demonstrated that this alteration results in abnormal splicing in the set of samples tested (Ambry internal data). Since supporting evidence is limited at this time, the clinical significance of this alteration remains unclear.

Literature cited by the submitters: PubMed 17576681 (cited by Labcorp Genetics (formerly Invitae), Labcorp); PubMed 9536098 (cited by Labcorp Genetics (formerly Invitae), Labcorp).

NM_007194.4(CHEK2):c.1462-3C>G

Gene: CHEK2 (checkpoint kinase 2; minus strand). Cytogenetic location: 22q12.1.
Variant type: single nucleotide variant.
Coding change: c.1462-3C>G on transcript NM_007194.4 (MANE Select); 3 bases into the intron before coding-DNA position 1462, C replaced by G.
Molecular consequence: intron variant.
Genome position (GRCh38, 1-based): chr22:28,689,218, G>C on the plus strand (C>G on the coding strand, the complement: CHEK2 is on the minus strand). VCF-style: chr22-28689218-G-C. GRCh37 (hg19) VCF-style: chr22-29085206-G-C.
Other names: c.799-3C>G (NM_001437942.1, NM_001257387.3); c.1261-3C>G (NM_001349956.3); c.1375-3C>G (NM_145862.3); c.1468-3C>G (NM_001438295.1); c.1555-3C>G (NM_001438293.1); c.1504-3C>G (NM_001438294.1); c.1591-3C>G (NM_001005735.3).
Identifiers: ClinVar variation 819280 (VCV000819280.15), dbSNP rs876658673, ClinGen allele CA638795633.
Genomic context (GRCh38, chr22:28,689,218, plus strand): 5'-CTGTGGATTCATTTTCCTCAGACAGAAGATCTTGAAACTTTCTCTTCATGTCTTCATCCT[G>C]TGAGGGAATTAAAAACATAAGTAGCTGTGTCTGAAGGATAATAAACTCCTAGAATGACAG-3'